The following is an entry in ClinVar:

ClinVar aggregate classification (germline): Uncertain significance (1 of 4 stars; one submission).

Conditions:
SYN1-related disorder. Also called: SYN1-related condition; SYN1-Related Disorders.

Submission:

PreventionGenetics, part of Exact Sciences
Classification: Uncertain significance for SYN1-related condition. Last evaluated: 2023-09-05. Review status: criteria provided, single submitter. Criteria: ACMG Guidelines, 2015. Collection method: clinical testing. Allele origin: germline.
Comment: The SYN1 c.694A>T variant is predicted to result in the amino acid substitution p.Met232Leu. To our knowledge, this variant has not been reported in the literature or in a large population database, indicating this variant is rare. Although we suspect that this variant may be pathogenic, at this time, the clinical significance of this variant is uncertain due to the absence of conclusive functional and genetic evidence.

NM_006950.3(SYN1):c.694A>T (p.Met232Leu)

Gene: SYN1 (synapsin I; minus strand). Cytogenetic location: Xp11.23.
Variant type: single nucleotide variant.
Coding change: c.694A>T on transcript NM_006950.3 (MANE Select); coding-DNA position 694, A replaced by T.
Protein change: p.Met232Leu; replaces methionine 232 with leucine.
Molecular consequence: missense variant.
Genome position (GRCh38, 1-based): chrX:47,605,058, T>A on the plus strand (A>T on the coding strand, the complement: SYN1 is on the minus strand). VCF-style: chrX-47605058-T-A. GRCh37 (hg19) VCF-style: chrX-47464457-T-A.
Other names: c.694A>T, p.Met232Leu (NM_133499.2); short protein forms M232L.
Identifiers: ClinVar variation 2631703 (VCV002631703.1), dbSNP rs2519705276, ClinGen allele CA412823769.